The following is an entry in ClinVar:

NM_003054.6(SLC18A2):c.626G>C (p.Ser209Thr)

Gene: SLC18A2 (solute carrier family 18 member A2; plus strand). Cytogenetic location: 10q25.3.
Variant type: single nucleotide variant.
Coding change: c.626G>C on transcript NM_003054.6 (MANE Select); coding-DNA position 626, G replaced by C.
Protein change: p.Ser209Thr; replaces serine 209 with threonine.
Molecular consequence: missense variant.
Genome position (GRCh38, 1-based): chr10:117,254,423, G>C. VCF-style: chr10-117254423-G-C. GRCh37 (hg19) VCF-style: chr10-119013934-G-C.
Other names: short protein forms S209T.
Identifiers: ClinVar variation 1970445 (VCV001970445.5), dbSNP rs777586782, ClinGen allele CA5710357.

ClinVar aggregate classification (germline): Uncertain significance (1 of 4 stars; one submission).

gnomAD v4.1: 3 of 1,603,104 alleles (0.00019%); highest among the groups gnomAD compares: African/African-American, 0.004%; no homozygotes.

Submission:

Labcorp Genetics (formerly Invitae), Labcorp
Classification: Uncertain significance. Last evaluated: 2024-10-24. Review status: criteria provided, single submitter. Criteria: Invitae Variant Classification Sherloc (09022015). Collection method: clinical testing. Allele origin: germline.
Comment: This sequence change replaces serine, which is neutral and polar, with threonine, which is neutral and polar, at codon 209 of the SLC18A2 protein (p.Ser209Thr). This variant is not present in population databases (gnomAD no frequency). This variant has not been reported in the literature in individuals affected with SLC18A2-related conditions. ClinVar contains an entry for this variant (Variation ID: 1970445). An algorithm developed to predict the effect of missense changes on protein structure and function (PolyPhen-2) suggests that this variant is likely to be tolerated. In summary, the available evidence is currently insufficient to determine the role of this variant in disease. Therefore, it has been classified as a Variant of Uncertain Significance.